The following is an entry in ClinVar:

ClinVar aggregate classification (germline): Uncertain significance (1 of 4 stars; one submission).

Submission:

Women's Health and Genetics/Laboratory Corporation of America, LabCorp
Classification: Uncertain significance. Last evaluated: 2024-04-09. Review status: criteria provided, single submitter. Criteria: LabCorp Variant Classification Summary - May 2015. Collection method: clinical testing. Allele origin: germline.
Comment: Variant summary: RAG1 c.307C>T (p.His103Tyr) results in a conservative amino acid change in the encoded protein sequence. Two of four in-silico tools predict a benign effect of the variant on protein function. The variant was absent in 251268 control chromosomes (gnomAD). c.307C>T has been reported in the literature in a homozygous individual affected with Severe Combined Immunodeficiency (Khan_2017). These data indicate that the variant may be associated with disease. This publication reports experimental evidence that peripheral blood mononuclear cell cultures from the patient showed reduced interferongamma production, however it was unclear if this was caused by altered RAG1 function. The following publication has been ascertained in the context of this evaluation (PMID: 28552805). No submitters have cited clinical-significance assessments for this variant to ClinVar. Based on the evidence outlined above, the variant was classified as VUS-possibly pathogenic.

Literature cited by the submitters: PubMed 28552805.

NM_000448.3(RAG1):c.307C>T (p.His103Tyr)

Gene: RAG1 (recombination activating 1; plus strand). Cytogenetic location: 11p12.
Variant type: single nucleotide variant.
Coding change: c.307C>T on transcript NM_000448.3 (MANE Select); coding-DNA position 307, C replaced by T.
Protein change: p.His103Tyr; replaces histidine 103 with tyrosine.
Molecular consequence: missense variant.
Genome position (GRCh38, 1-based): chr11:36,573,611, C>T. VCF-style: chr11-36573611-C-T. GRCh37 (hg19) VCF-style: chr11-36595161-C-T.
Other names: c.307C>T, p.His103Tyr (NM_001377277.1, NM_001377278.1, NM_001377279.1 and 1 more transcripts); short protein forms H103Y.
Identifiers: ClinVar variation 3251393 (VCV003251393.1), dbSNP rs2494751070.